The following is an entry in ClinVar:

NM_001851.6(COL9A1):c.1498G>A (p.Ala500Thr)

Gene: COL9A1 (collagen type IX alpha 1 chain; minus strand). Cytogenetic location: 6q13.
Variant type: single nucleotide variant.
Coding change: c.1498G>A on transcript NM_001851.6 (MANE Select); coding-DNA position 1498, G replaced by A.
Protein change: p.Ala500Thr; replaces alanine 500 with threonine.
Molecular consequence: missense variant. On other transcripts: non-coding transcript variant (1).
Genome position (GRCh38, 1-based): chr6:70,256,773, C>T on the plus strand (G>A on the coding strand, the complement: COL9A1 is on the minus strand). VCF-style: chr6-70256773-C-T. GRCh37 (hg19) VCF-style: chr6-70966476-C-T.
Other names: c.769G>A, p.Ala257Thr (NM_001377289.1, NM_001377290.1, NM_078485.4); short protein forms A500T, A257T.
Identifiers: ClinVar variation 2108870 (VCV002108870.1), dbSNP rs2483326814, ClinGen allele CA364678376.

ClinVar aggregate classification (germline): Uncertain significance (1 of 4 stars; one submission).

Allele frequency attached by ClinVar (database versions not stated): gnomAD exomes 0.00001.

Submission:

Labcorp Genetics (formerly Invitae), Labcorp
Classification: Uncertain significance. Last evaluated: 2022-03-11. Review status: criteria provided, single submitter. Criteria: Invitae Variant Classification Sherloc (09022015). Collection method: clinical testing. Allele origin: germline.
Comment: This sequence change replaces alanine, which is neutral and non-polar, with threonine, which is neutral and polar, at codon 500 of the COL9A1 protein (p.Ala500Thr). This variant is not present in population databases (gnomAD no frequency). This variant has not been reported in the literature in individuals affected with COL9A1-related conditions. Advanced modeling of protein sequence and biophysical properties (such as structural, functional, and spatial information, amino acid conservation, physicochemical variation, residue mobility, and thermodynamic stability) performed at Invitae indicates that this missense variant is not expected to disrupt COL9A1 protein function. In summary, the available evidence is currently insufficient to determine the role of this variant in disease. Therefore, it has been classified as a Variant of Uncertain Significance.